The following is an entry in ClinVar:

ClinVar aggregate classification (germline): Uncertain significance. Review status: criteria provided, multiple submitters, no conflicts (2 of 4 stars). 2 submissions from 2 submitters: Uncertain significance (2). Last evaluated 2025-07-09.

Conditions:
Hereditary cancer-predisposing syndrome. Also called: Neoplastic Syndromes, Hereditary; Tumor predisposition; Hereditary Cancer Syndrome; Hereditary neoplastic syndrome. Identifiers: Orphanet 140162, MedGen C0027672, MeSH D009386, MONDO:0015356.
Gorlin syndrome. Also called: Nevoid Basal Cell Carcinoma Syndrome; Basal cell nevus syndrome. Identifiers: Orphanet 377, MedGen C0004779, MONDO:0007187.
Medulloblastoma (MDB). Also called: MEDULLOBLASTOMA PREDISPOSITION SYNDROME; Medulloblastoma, somatic. Identifiers: Orphanet 616, MedGen C0025149, MeSH D008527, MONDO:0007959, OMIM 155255, HP:0002885.

Submissions (2):

Ambry Genetics
Classification: Uncertain significance for Hereditary cancer-predisposing syndrome. Last evaluated: 2025-07-09. Review status: criteria provided, single submitter. Criteria: Ambry Variant Classification Scheme 2023. Collection method: clinical testing. Allele origin: germline.
Comment: The p.A132V variant (also known as c.395C>T), located in coding exon 3 of the SUFU gene, results from a C to T substitution at nucleotide position 395. The alanine at codon 132 is replaced by valine, an amino acid with similar properties. This amino acid position is highly conserved in available vertebrate species. In addition, the in silico prediction for this alteration is inconclusive. Based on the available evidence, the clinical significance of this variant remains unclear.

Labcorp Genetics (formerly Invitae), Labcorp
Classification: Uncertain significance for Gorlin syndrome; Medulloblastoma. Last evaluated: 2025-04-08. Review status: criteria provided, single submitter. Criteria: Invitae Variant Classification Sherloc (09022015). Collection method: clinical testing. Allele origin: germline.
Comment: This sequence change replaces alanine, which is neutral and non-polar, with valine, which is neutral and non-polar, at codon 132 of the SUFU protein (p.Ala132Val). This variant is not present in population databases (gnomAD no frequency). This variant has not been reported in the literature in individuals affected with SUFU-related conditions. Invitae Evidence Modeling of protein sequence and biophysical properties (such as structural, functional, and spatial information, amino acid conservation, physicochemical variation, residue mobility, and thermodynamic stability) indicates that this missense variant is not expected to disrupt SUFU protein function with a negative predictive value of 80%. In summary, the available evidence is currently insufficient to determine the role of this variant in disease. Therefore, it has been classified as a Variant of Uncertain Significance.

NM_016169.4(SUFU):c.395C>T (p.Ala132Val)

Gene: SUFU (SUFU negative regulator of hedgehog signaling; plus strand). Cytogenetic location: 10q24.32.
Variant type: single nucleotide variant.
Coding change: c.395C>T on transcript NM_016169.4 (MANE Select); coding-DNA position 395, C replaced by T.
Protein change: p.Ala132Val; replaces alanine 132 with valine.
Molecular consequence: missense variant.
Genome position (GRCh38, 1-based): chr10:102,550,047, C>T. VCF-style: chr10-102550047-C-T. GRCh37 (hg19) VCF-style: chr10-104309804-C-T.
Other names: c.395C>T, p.Ala132Val (NM_001178133.2); short protein forms A132V.
Identifiers: ClinVar variation 4177532 (VCV004177532.2).
Genomic context (GRCh38, chr10:102,550,047, plus strand): 5'-GACCTAGTGGTTTTGGCTTTGAGTTGACCTTTCGTCTGAAGAGAGAAACTGGGGAGTCTG[C>T]CCCACCAACATGGCCCGCAGAGTTAATGCAGGGCTTGGCACGATACGTGTTCCAGTCAGG-3'
Protein context (NP_057253.2, residues 122-142): FRLKRETGES[Ala132Val]PPTWPAELMQ